The following is an entry in ClinVar:

ClinVar aggregate classification (germline): Likely benign. Review status: criteria provided, single submitter (1 of 4 stars). 2 submissions from 2 submitters: Likely benign (1). 1 of the submissions does not count toward it. Last evaluated 2025-06-30.

Conditions:
MSX2-related disorder. Also called: MSX2-related condition.
Cranium bifidum occultum. Also called: Enlarged Parietal Foramina; CATLIN MARKS; CRANIUM BIFIDUM, HEREDITARY. Identifiers: MedGen C1868598, HP:0004423.

gnomAD v4.1: 1 of 1,609,312 alleles (0.000062%); highest among the groups gnomAD compares: Middle Eastern, 0.017%; no homozygotes.

Submissions (2):

Labcorp Genetics (formerly Invitae), Labcorp
Classification: Likely benign for Cranium bifidum occultum. Last evaluated: 2025-06-30. Review status: criteria provided, single submitter. Criteria: Invitae Variant Classification Sherloc (09022015). Collection method: clinical testing. Allele origin: germline.

PreventionGenetics, part of Exact Sciences
Classification: Likely benign for MSX2-related condition. Last evaluated: 2020-05-06. Review status: no assertion criteria provided. Collection method: clinical testing. Allele origin: germline. Not counted in ClinVar's aggregate classification.
Comment: This variant is classified as likely benign based on ACMG/AMP sequence variant interpretation guidelines (Richards et al. 2015 PMID: 25741868, with internal and published modifications).

NM_002449.5(MSX2):c.379+11G>A

Gene: MSX2 (msh homeobox 2; plus strand). Cytogenetic location: 5q35.2.
Variant type: single nucleotide variant.
Coding change: c.379+11G>A on transcript NM_002449.5 (MANE Select); 11 bases into the intron after coding-DNA position 379, G replaced by A.
Molecular consequence: intron variant. On other transcripts: synonymous variant (1).
Genome position (GRCh38, 1-based): chr5:174,725,049, G>A. VCF-style: chr5-174725049-G-A. GRCh37 (hg19) VCF-style: chr5-174152052-G-A.
Other names: c.390G>A, p.Ala130= (NM_001363626.2); c.390G>A (NM_001363626.1).
Identifiers: ClinVar variation 2900298 (VCV002900298.5), dbSNP rs1373121328, ClinGen allele CA564856578.